The following is an entry in ClinVar:

Conditions:
Arteriohepatic dysplasia. Also called: Alagille Syndrome. Identifiers: Orphanet 52, MedGen C0085280, MeSH D016738, MONDO:0007318.

Submission:

Gilbert/Spinner Lab, Children's Hospital of Philadelphia
No classification provided (evidence only). Condition: Alagille syndrome. Review status: no classification provided. Collection method: research. Allele origin: not applicable. Functional consequence: functionally_abnormal.
ClinVar note: "not provided" was previously submitted as the classification for the variant. However, the classification appeared to be based only on an observation of functional data so it was converted to no classification on 2025-07-30.

NM_000214.3(JAG1):c.916T>G (p.Cys306Gly)

Gene: JAG1 (jagged canonical Notch ligand 1; minus strand). Cytogenetic location: 20p12.2.
Variant type: single nucleotide variant.
Coding change: c.916T>G on transcript NM_000214.3 (MANE Select); coding-DNA position 916, T replaced by G.
Protein change: p.Cys306Gly; replaces cysteine 306 with glycine.
Molecular consequence: missense variant.
Genome position (GRCh38, 1-based): chr20:10,652,221, A>C on the plus strand (T>G on the coding strand, the complement: JAG1 is on the minus strand). VCF-style: chr20-10652221-A-C. GRCh37 (hg19) VCF-style: chr20-10632869-A-C.
Other names: short protein forms C306G.
Identifiers: ClinVar variation 3573407 (VCV003573407.2).